The following is an entry in ClinVar:

NM_032595.5(PPP1R9B):c.333G>T (p.Leu111=)

Gene: PPP1R9B (protein phosphatase 1 regulatory subunit 9B; minus strand). Cytogenetic location: 17q21.33.
Variant type: single nucleotide variant.
Coding change: c.333G>T on transcript NM_032595.5 (MANE Select); coding-DNA position 333, G replaced by T.
Protein change: p.Leu111=; no amino-acid change (leucine 111 retained).
Molecular consequence: synonymous variant.
Genome position (GRCh38, 1-based): chr17:50,150,181, C>A on the plus strand (G>T on the coding strand, the complement: PPP1R9B is on the minus strand). VCF-style: chr17-50150181-C-A. GRCh37 (hg19) VCF-style: chr17-48227542-C-A.
Identifiers: ClinVar variation 3040210 (VCV003040210.2), dbSNP rs2509101071, ClinGen allele CA500991218.

ClinVar aggregate classification (germline): Likely benign (0 of 4 stars; one submission).

Conditions:
PPP1R9B-related disorder. Also called: PPP1R9B-related condition.

Submission:

PreventionGenetics, part of Exact Sciences
Classification: Likely benign for PPP1R9B-related condition. Last evaluated: 2021-02-15. Review status: no assertion criteria provided. Collection method: clinical testing. Allele origin: germline.
Comment: This variant is classified as likely benign based on ACMG/AMP sequence variant interpretation guidelines (Richards et al. 2015 PMID: 25741868, with internal and published modifications).